The following is an entry in ClinVar:

NM_000821.7(GGCX):c.2081G>A (p.Arg694His)

Gene: GGCX (gamma-glutamyl carboxylase; minus strand). Cytogenetic location: 2p11.2.
Variant type: single nucleotide variant.
Coding change: c.2081G>A on transcript NM_000821.7 (MANE Select); coding-DNA position 2081, G replaced by A.
Protein change: p.Arg694His; replaces arginine 694 with histidine.
Molecular consequence: missense variant.
Genome position (GRCh38, 1-based): chr2:85,550,558, C>T on the plus strand (G>A on the coding strand, the complement: GGCX is on the minus strand). VCF-style: chr2-85550558-C-T. GRCh37 (hg19) VCF-style: chr2-85777681-C-T.
Other names: c.1910G>A, p.Arg637His (NM_001142269.4); short protein forms R694H, R637H.
Identifiers: ClinVar variation 337259 (VCV000337259.8), dbSNP rs140098905, ClinGen allele CA1741644.
Genomic context (GRCh38, chr2:85,550,558, plus strand): 5'-AAAGTTACCAAGCTTGCCAACATATGATGGCAATGACAAATATTGTTGTGAACTTACCTG[C>T]GGCGAAAGACATAGAGCTTTCGCAACAAGAAGCGGAAGAATCGCTCATGGAAAGGAGTAT-3'
Protein context (NP_000812.2, residues 684-704): FLLRKLYVFR[Arg694His]SFLMTCISLR

ClinVar aggregate classification (germline): Uncertain significance. Review status: criteria provided, multiple submitters, no conflicts (2 of 4 stars). 4 submissions from 4 submitters: Uncertain significance (4). Last evaluated 2022-12-06.

Conditions:
Inborn genetic diseases. Identifiers: MedGen C0950123, MeSH D030342.
Vitamin K-dependent clotting factors, combined deficiency of, type 1. Also called: FACTORS II, VII, IX, AND X, COMBINED DEFICIENCY OF; FAMILIAL MULTIPLE COAGULATION FACTOR DEFICIENCY III; FMFD III; GLUTAMIC ACID, DEFICIENT GAMMA-CARBOXYLATION OF; MULTIPLE COAGULATION FACTOR DEFICIENCY III; VITAMIN K-DEPENDENT COAGULATION DEFECT. Identifiers: Orphanet 98434, MedGen C1848534, MONDO:0010187, OMIM 277450.

Allele frequency attached by ClinVar (database versions not stated): gnomAD exomes 0.00007 and 0.00016; ESP Exome Variant Server 0.00008; TOPMed 0.00009; gnomAD 0.00013 and 0.00014; ExAC 0.00017.
gnomAD v4.1: 129 of 1,609,434 alleles (0.008%); highest among the groups gnomAD compares: Middle Eastern, 0.033%; no homozygotes.

Submissions (4):

Ambry Genetics
Classification: Uncertain significance for Inborn genetic diseases. Last evaluated: 2022-12-06. Review status: criteria provided, single submitter. Criteria: Ambry Variant Classification Scheme 2023. Collection method: clinical testing. Allele origin: germline.

Labcorp Genetics (formerly Invitae), Labcorp
Classification: Uncertain significance. Last evaluated: 2022-06-27. Review status: criteria provided, single submitter. Criteria: Invitae Variant Classification Sherloc (09022015). Collection method: clinical testing. Allele origin: germline.
Comment: This sequence change replaces arginine, which is basic and polar, with histidine, which is basic and polar, at codon 694 of the GGCX protein (p.Arg694His). This variant is present in population databases (rs140098905, gnomAD 0.2%). This variant has not been reported in the literature in individuals affected with GGCX-related conditions. ClinVar contains an entry for this variant (Variation ID: 337259). Algorithms developed to predict the effect of missense changes on protein structure and function are either unavailable or do not agree on the potential impact of this missense change (SIFT: "Deleterious"; PolyPhen-2: "Benign"; Align-GVGD: "Class C0"). In summary, the available evidence is currently insufficient to determine the role of this variant in disease. Therefore, it has been classified as a Variant of Uncertain Significance.

Illumina Laboratory Services, Illumina
Classification: Uncertain significance for Vitamin K-dependent clotting factors, combined deficiency of, type 1. Last evaluated: 2018-01-12. Review status: criteria provided, single submitter. Criteria: ICSL Variant Classification Criteria 13 December 2019. Collection method: clinical testing. Allele origin: germline.

Breakthrough Genomics
Classification: Uncertain significance. Review status: criteria provided, single submitter. Criteria: ACMG Guidelines, 2015. Collection method: not provided. Allele origin: germline. Inheritance: Autosomal recessive inheritance. Affected: yes.